The following is an entry in ClinVar:

ClinVar aggregate classification (germline): Pathogenic (1 of 4 stars; one submission).

Submission:

GeneDx
Classification: Pathogenic. Last evaluated: 2015-03-25. Review status: criteria provided, single submitter. Criteria: GeneDx Variant Classification (06012015). Collection method: clinical testing. Allele origin: germline. Affected: yes.
Comment: The C527S missense variant in the BTK gene has been reported previously in association with X-linkedagammaglobulinemia (Conley et al., 2005). C527S was not observed in approximately 6,500 individuals of European and African American ancestry inthe NHLBI Exome Sequencing Project, indicating it is not a common benign variant in these populations. Itis a non-conservative amino acid substitution, which is likely to impact secondary protein structure as theseresidues differ in polarity, charge, size and/or other properties. This substitution occurs at a position that isconserved across species. In silico analysis predicts this variant is probably damaging to the proteinstructure/function. Missense variants at the same codon (C527F) and in nearby residues (L522P,A523G/V, A524P, A525G/Q/P, N526K, V535F, V537E) have been reported in the Human Gene MutationDatabase in association with XLA (Stenson et al., 2014), supporting the functional importance of thisregion of the protein. Therefore, we interpret C527S as a pathogenic variant.

NM_000061.3(BTK):c.1580G>C (p.Cys527Ser)

Gene: BTK (Bruton tyrosine kinase; minus strand). Cytogenetic location: Xq22.1.
Variant type: single nucleotide variant.
Coding change: c.1580G>C on transcript NM_000061.3 (MANE Select); coding-DNA position 1580, G replaced by C.
Protein change: p.Cys527Ser; replaces cysteine 527 with serine.
Molecular consequence: missense variant.
Genome position (GRCh38, 1-based): chrX:101,354,681, C>G on the plus strand (G>C on the coding strand, the complement: BTK is on the minus strand). VCF-style: chrX-101354681-C-G. GRCh37 (hg19) VCF-style: chrX-100609669-C-G.
Other names: c.1682G>C, p.Cys561Ser (NM_001287344.2); c.1052G>C, p.Cys351Ser (NM_001287345.2); short protein forms C527S, C351S, C561S.
Identifiers: ClinVar variation 379335 (VCV000379335.2), dbSNP rs1057520578, ClinGen allele CA16608702.